The following is an entry in ClinVar:

NM_001853.4(COL9A3):c.665C>G (p.Pro222Arg)

Gene: COL9A3 (collagen type IX alpha 3 chain; plus strand). Cytogenetic location: 20q13.33.
Variant type: single nucleotide variant.
Coding change: c.665C>G on transcript NM_001853.4 (MANE Select); coding-DNA position 665, C replaced by G.
Protein change: p.Pro222Arg; replaces proline 222 with arginine.
Molecular consequence: missense variant.
Genome position (GRCh38, 1-based): chr20:62,825,851, C>G. VCF-style: chr20-62825851-C-G. GRCh37 (hg19) VCF-style: chr20-61457203-C-G.
Other names: c.665C>G (NM_001853.3); short protein forms P222R.
Identifiers: ClinVar variation 1518400 (VCV001518400.9), dbSNP rs202005710, ClinGen allele CA9949427.

ClinVar aggregate classification (germline): Uncertain significance. Review status: criteria provided, multiple submitters, no conflicts (2 of 4 stars). 2 submissions from 2 submitters: Uncertain significance (2). Last evaluated 2025-10-05.

Conditions:
Inborn genetic diseases. Identifiers: MedGen C0950123, MeSH D030342.

gnomAD v4.1: 11 of 1,559,142 alleles (0.00071%); highest among the groups gnomAD compares: East Asian, 0.024%; no homozygotes.

Submissions (2):

Labcorp Genetics (formerly Invitae), Labcorp
Classification: Uncertain significance. Last evaluated: 2025-10-05. Review status: criteria provided, single submitter. Criteria: Invitae Variant Classification Sherloc (09022015). Collection method: clinical testing. Allele origin: germline.
Comment: This sequence change replaces proline, which is neutral and non-polar, with arginine, which is basic and polar, at codon 222 of the COL9A3 protein (p.Pro222Arg). This variant is present in population databases (rs202005710, gnomAD 0.06%). This variant has not been reported in the literature in individuals affected with COL9A3-related conditions. ClinVar contains an entry for this variant (Variation ID: 1518400). Invitae Evidence Modeling of protein sequence and biophysical properties (such as structural, functional, and spatial information, amino acid conservation, physicochemical variation, residue mobility, and thermodynamic stability) indicates that this missense variant is not expected to disrupt COL9A3 protein function with a negative predictive value of 95%. In summary, the available evidence is currently insufficient to determine the role of this variant in disease. Therefore, it has been classified as a Variant of Uncertain Significance.

Ambry Genetics
Classification: Uncertain significance for Inborn genetic diseases. Last evaluated: 2023-02-23. Review status: criteria provided, single submitter. Criteria: Ambry Variant Classification Scheme 2023. Collection method: clinical testing. Allele origin: germline.